The following is an entry in ClinVar:

GRCh37/hg19 16q21(chr16:58552779-58575790)x1

Genes: CNOT1 (CCR4-NOT transcription complex subunit 1; minus strand), SETD6 (SET domain containing 6, protein lysine methyltransferase; plus strand). Cytogenetic location: 16q21.
Variant type: copy number loss.
Change: copy number 1 (one copy instead of two) of chr16:58,552,779-58,575,790 (23.0 kb, GRCh37 coordinates, 1-based), cytogenetic band 16q21.
Identifiers: ClinVar variation 3391835 (VCV003391835.1).

ClinVar aggregate classification (germline): Likely pathogenic (1 of 4 stars; one submission).

Submission:

Quest Diagnostics Nichols Institute San Juan Capistrano
Classification: Likely pathogenic. Last evaluated: 2024-04-26. Review status: criteria provided, single submitter. Criteria: ACMG/ClinGen CNV Guidelines, 2019. Collection method: clinical testing. Allele origin: unknown.
Comment: This loss involves multiple exons (NM_001265612.2) of the 3' portion of CNOT1 (OMIM 604917) and the final exon (NM_001160305.4) of SETD6 (OMIM 616424). Haploinsufficiency of CNOT1 (CCID:006889) is associated with autosomal dominant Vissers-Bodmer syndrome (VIBOS; OMIM 619033; Dong 2023, Tang 2024, Vissers 2020). There are no similar copy number losses of this region in the general populations of the Database of Genomic Variants. Thus, based on current medical literature, this copy number variant (CNV) is classified as likely pathogenic. References: Dong et al., Am J Med Genet A. 2023 Nov;191(11):2775-2782. PMID: 37507849; Tang et al., Heliyon. 2024 Feb 21;10(4):e26743. PMID: 38434094; Vissers et al., Am J Hum Genet. 2020 Jul 2;107(1):164-172. PMID: 32553196